The following is an entry in ClinVar:

ClinVar aggregate classification (germline): Uncertain significance (1 of 4 stars; one submission).

Conditions:
Intellectual developmental disorder with speech delay, autism, and dysmorphic facies. Identifiers: MedGen C5231456, MONDO:0032864, OMIM 618672.

Submission:

Dasa
Classification: Uncertain significance for Intellectual developmental disorder with speech delay, autism, and dysmorphic facies. Last evaluated: 2026-01-26. Review status: criteria provided, single submitter. Criteria: DASA Assertion Criteria. Collection method: clinical testing. Allele origin: germline.
Comment: NM_014516.4(CNOT3):c.1625C>A (p.Ser542Tyr) is a missense variant that results in the substitution of serine with tyrosine. This variant is rare in population databases. The currently available literature and clinical evidence are not sufficient to establish a definitive association between this variant and the reported condition. Therefore, this variant is classified as a variant of uncertain significance.

NM_014516.4(CNOT3):c.1625C>A (p.Ser542Tyr)

Gene: CNOT3 (CCR4-NOT transcription complex subunit 3; plus strand). Cytogenetic location: 19q13.42.
Variant type: single nucleotide variant.
Coding change: c.1625C>A on transcript NM_014516.4 (MANE Select); coding-DNA position 1625, C replaced by A.
Protein change: p.Ser542Tyr; replaces serine 542 with tyrosine.
Molecular consequence: missense variant. On other transcripts: non-coding transcript variant (2).
Genome position (GRCh38, 1-based): chr19:54,152,245, C>A. VCF-style: chr19-54152245-C-A. GRCh37 (hg19) VCF-style: chr19-54655982-C-A.
Other names: c.1625C>A, p.Ser542Tyr (NM_001440654.1, NM_001440656.1, NM_001440658.1 and 1 more transcripts); c.1628C>A, p.Ser543Tyr (NM_001440655.1, NM_001440657.1, NM_001440661.1 and 3 more transcripts); c.1082C>A, p.Ser361Tyr (NM_001440659.1, NM_001440660.1); short protein forms S361Y, S542Y, S543Y.
Identifiers: ClinVar variation 4883549 (VCV004883549.2).
Genomic context (GRCh38, chr19:54,152,245, plus strand): 5'-CAGCCCAAGTGCTCAGGCCAGGCCTCTTGTTTCCTCCCCAGGCCCCTGAGCCTCTGAGCT[C>A]CTTGAAGTCCATGGCGGAACGGGCAGCCATCAGCTCTGGCATTGAGGACCCTGTGCCAAC-3'
Protein context (NP_055331.1, residues 532-552): PEIKAPEPLS[Ser542Tyr]LKSMAERAAI